The following is an entry in ClinVar:

ClinVar aggregate classification (germline): Uncertain significance (1 of 4 stars; one submission).

Conditions:
Tuberous sclerosis 2 (TSC2). Identifiers: Orphanet 805, MedGen C1860707, MONDO:0013199, OMIM 613254.

Submission:

Labcorp Genetics (formerly Invitae), Labcorp
Classification: Uncertain significance for Tuberous sclerosis 2. Last evaluated: 2019-09-06. Review status: criteria provided, single submitter. Criteria: Invitae Variant Classification Sherloc (09022015). Collection method: clinical testing. Allele origin: germline.
Comment: In summary, the available evidence is currently insufficient to determine the role of this variant in disease. Therefore, it has been classified as a Variant of Uncertain Significance. Algorithms developed to predict the effect of missense changes on protein structure and function are either unavailable or do not agree on the potential impact of this missense change (SIFT: "Deleterious"; PolyPhen-2: "Probably Damaging"; Align-GVGD: "Class C0"). This variant has not been reported in the literature in individuals with TSC2-related conditions. This variant is not present in population databases (ExAC no frequency). This sequence change replaces threonine with arginine at codon 1203 of the TSC2 protein (p.Thr1203Arg). The threonine residue is moderately conserved and there is a moderate physicochemical difference between threonine and arginine.

NM_000548.5(TSC2):c.3608C>G (p.Thr1203Arg)

Gene: TSC2 (TSC complex subunit 2; plus strand). Cytogenetic location: 16p13.3.
Variant type: single nucleotide variant.
Coding change: c.3608C>G on transcript NM_000548.5 (MANE Select); coding-DNA position 3608, C replaced by G.
Protein change: p.Thr1203Arg; replaces threonine 1203 with arginine.
Molecular consequence: missense variant.
Genome position (GRCh38, 1-based): chr16:2,080,375, C>G. VCF-style: chr16-2080375-C-G. GRCh37 (hg19) VCF-style: chr16-2130376-C-G.
Other names: c.3476C>G, p.Thr1159Arg (NM_001077183.3, NM_001370404.1); c.3608C>G, p.Thr1203Arg (NM_001114382.3); c.3368C>G, p.Thr1123Arg (NM_001318827.2); c.3332C>G, p.Thr1111Arg (NM_001318829.2); c.2876C>G, p.Thr959Arg (NM_001318831.2); c.3509C>G, p.Thr1170Arg (NM_001318832.2); c.3479C>G, p.Thr1160Arg (NM_001363528.2, NM_001370405.1, NM_021055.3); short protein forms T1123R, T1159R, T1111R, T1203R, T1160R, T1170R, T959R.
Identifiers: ClinVar variation 943892 (VCV000943892.9), dbSNP rs397515030, ClinGen allele CA394289753.